The following is an entry in ClinVar:

NM_005802.5(TOPORS):c.1811C>T (p.Ser604Phe)

Gene: TOPORS (TOP1 binding arginine/serine rich protein, E3 ubiquitin ligase; minus strand). Cytogenetic location: 9p21.1.
Variant type: single nucleotide variant.
Coding change: c.1811C>T on transcript NM_005802.5 (MANE Select); coding-DNA position 1811, C replaced by T.
Protein change: p.Ser604Phe; replaces serine 604 with phenylalanine.
Molecular consequence: missense variant.
Genome position (GRCh38, 1-based): chr9:32,542,714, G>A on the plus strand (C>T on the coding strand, the complement: TOPORS is on the minus strand). VCF-style: chr9-32542714-G-A. GRCh37 (hg19) VCF-style: chr9-32542712-G-A.
Other names: c.1616C>T, p.Ser539Phe (NM_001195622.2); short protein forms S604F, S539F.
Identifiers: ClinVar variation 1362399 (VCV001362399.8), dbSNP rs2118967014, ClinGen allele CA373168065.
Genomic context (GRCh38, chr9:32,542,714, plus strand): 5'-ATTCTTTTCTTCCCATGATGCTTTCTATGATTCTTCTGATCATGCCCACTTCTACTCTGA[G>A]AACGTGAATCTGAACTTCTTGATCTTCCCCTCTTTCTGTGTCTATGGTTATATGGAGAAT-3'
Protein context (NP_005793.2, residues 594-614): RGRSRSSDSR[Ser604Phe]QSRSGHDQKN

ClinVar aggregate classification (germline): Uncertain significance (1 of 4 stars; one submission).

Submission:

Labcorp Genetics (formerly Invitae), Labcorp
Classification: Uncertain significance. Last evaluated: 2021-06-19. Review status: criteria provided, single submitter. Criteria: Invitae Variant Classification Sherloc (09022015). Collection method: clinical testing. Allele origin: germline.
Comment: This variant is not present in population databases (ExAC no frequency). In summary, the available evidence is currently insufficient to determine the role of this variant in disease. Therefore, it has been classified as a Variant of Uncertain Significance. Algorithms developed to predict the effect of missense changes on protein structure and function are either unavailable or do not agree on the potential impact of this missense change (SIFT: "Deleterious"; PolyPhen-2: "Not Available"; Align-GVGD: "Class C0"). This variant has not been reported in the literature in individuals with TOPORS-related conditions. This sequence change replaces serine with phenylalanine at codon 604 of the TOPORS protein (p.Ser604Phe). The serine residue is highly conserved and there is a large physicochemical difference between serine and phenylalanine.